The following is an entry in ClinVar:

ClinVar aggregate classification (germline): Benign/Likely benign. Review status: criteria provided, multiple submitters, no conflicts (2 of 4 stars). 4 submissions from 4 submitters: Benign (2); Likely benign (2). Last evaluated 2025-06-22.

Conditions:
Tuberous sclerosis 2 (TSC2). Identifiers: Orphanet 805, MedGen C1860707, MONDO:0013199, OMIM 613254.
Hereditary cancer-predisposing syndrome. Also called: Hereditary Cancer Syndrome; Tumor predisposition; Hereditary neoplastic syndrome; Neoplastic Syndromes, Hereditary. Identifiers: Orphanet 140162, MedGen C0027672, MeSH D009386, MONDO:0015356.

Allele frequency attached by ClinVar (database versions not stated): ExAC 0.00001; gnomAD exomes 0.00001.
gnomAD v4.1: 5 of 1,613,556 alleles (0.00031%); no homozygotes.

Submissions (4):

Ambry Genetics
Classification: Likely benign for Hereditary cancer-predisposing syndrome. Last evaluated: 2025-06-22. Review status: criteria provided, single submitter. Criteria: Ambry Variant Classification Scheme 2023. Collection method: clinical testing. Allele origin: germline.

Myriad Genetics, Inc.
Classification: Benign for Tuberous sclerosis 2. Last evaluated: 2025-05-22. Review status: criteria provided, single submitter. Criteria: Myriad Autosomal Dominant, Autosomal Recessive and X-Linked Classification Criteria (2023). Collection method: clinical testing. Allele origin: unknown.
Comment: This variant is considered benign. This variant is a silent/synonymous amino acid change and it is not expected to impact splicing.

Blueprint Genetics
Classification: Likely benign. Last evaluated: 2024-05-03. Review status: criteria provided, single submitter. Criteria: ACMG Guidelines, 2015. Collection method: clinical testing. Allele origin: germline.

Labcorp Genetics (formerly Invitae), Labcorp
Classification: Benign for Tuberous sclerosis 2. Last evaluated: 2023-03-03. Review status: criteria provided, single submitter. Criteria: Invitae Variant Classification Sherloc (09022015). Collection method: clinical testing. Allele origin: germline.

NM_000548.5(TSC2):c.2754C>T (p.Ser918=)

Gene: TSC2 (TSC complex subunit 2; plus strand). Cytogenetic location: 16p13.3.
Variant type: single nucleotide variant.
Coding change: c.2754C>T on transcript NM_000548.5 (MANE Select); coding-DNA position 2754, C replaced by T.
Protein change: p.Ser918=; no amino-acid change (serine 918 retained).
Molecular consequence: synonymous variant. On other transcripts: non-coding transcript variant (5).
Genome position (GRCh38, 1-based): chr16:2,076,502, C>T. VCF-style: chr16-2076502-C-T. GRCh37 (hg19) VCF-style: chr16-2126503-C-T.
Other names: c.2754C>T, p.Ser918= (NM_001077183.3, NM_001114382.3, NM_001363528.2 and 6 more transcripts); c.2643C>T, p.Ser881= (NM_001318827.2, NM_001406670.1, NM_001406678.1); c.2607C>T, p.Ser869= (NM_001318829.2, NM_001406675.1, NM_001406676.1 and 1 more transcripts); c.2154C>T, p.Ser718= (NM_001318831.2, NM_001406680.1, NM_001406682.1 and 6 more transcripts); c.2787C>T, p.Ser929= (NM_001318832.2); c.2844C>T, p.Ser948= (NM_001406667.1, NM_001406668.1); c.2742C>T, p.Ser914= (NM_001406671.1, NM_001406673.1); c.2697C>T, p.Ser899= (NM_001406677.1); and 3 more.
Identifiers: ClinVar variation 2842370 (VCV002842370.7), dbSNP rs756264848, ClinGen allele CA041774.